The following is an entry in ClinVar:

NM_004183.4(BEST1):c.248G>A (p.Gly83Asp)

Gene: BEST1 (bestrophin 1; plus strand). Cytogenetic location: 11q12.3.
Variant type: single nucleotide variant.
Coding change: c.248G>A on transcript NM_004183.4 (MANE Select); coding-DNA position 248, G replaced by A.
Protein change: p.Gly83Asp; replaces glycine 83 with aspartic acid.
Molecular consequence: missense variant. On other transcripts: 5 prime UTR variant (2), non-coding transcript variant (1).
Genome position (GRCh38, 1-based): chr11:61,955,718, G>A. VCF-style: chr11-61955718-G-A. GRCh37 (hg19) VCF-style: chr11-61723190-G-A.
Other names: c.68G>A, p.Gly23Asp (NM_001139443.3, NM_001300786.2, NM_001300787.2 and 3 more transcripts); c.-71G>A (NM_001363591.3); c.248G>A, p.Gly83Asp (NM_001363592.2, NM_001440571.1, NM_001440572.1 and 1 more transcripts); c.-928G>A (NM_001363593.3); short protein forms G23D, G83D.
Identifiers: ClinVar variation 4709837 (VCV004709837.2).

ClinVar aggregate classification (germline): Conflicting classifications of pathogenicity. Review status: criteria provided, conflicting classifications (1 of 4 stars). 2 submissions from 2 submitters: Likely pathogenic (1); Uncertain significance (1). Last evaluated 2025-12-21.

Conditions:
BEST1-related disorder. Also called: BEST1-related condition; BEST1-related disorders. Identifiers: MedGen CN239200.

Submissions (2):

Labcorp Genetics (formerly Invitae), Labcorp
Classification: Uncertain significance. Last evaluated: 2025-12-21. Review status: criteria provided, single submitter. Criteria: Invitae Variant Classification Sherloc (09022015). Collection method: clinical testing. Allele origin: germline.
Comment: This sequence change replaces glycine, which is neutral and non-polar, with aspartic acid, which is acidic and polar, at codon 83 of the BEST1 protein (p.Gly83Asp). This variant is not present in population databases (gnomAD no frequency). This missense change has been observed in individual(s) with vitreoretinochoroidopathy (PMID: 26849243). An algorithm developed to predict the effect of missense changes on protein structure and function (PolyPhen-2) suggests that this variant is likely to be disruptive. This variant disrupts the p.Gly83 amino acid residue in BEST1. Other variant(s) that disrupt this residue have been observed in individuals with BEST1-related conditions (PMID: 25082885, 36729443), which suggests that this may be a clinically significant amino acid residue. In summary, the available evidence is currently insufficient to determine the role of this variant in disease. Therefore, it has been classified as a Variant of Uncertain Significance.

Blueprint Genetics
Classification: Likely pathogenic for BEST1-related disorders. Last evaluated: 2022-10-25. Review status: criteria provided, single submitter. Criteria: ACMG Guidelines, 2015. Collection method: clinical testing. Allele origin: germline. Affected: yes. Observed: 2 variant alleles.

Literature cited by the submitters: PubMed 26849243 (cited by Labcorp Genetics (formerly Invitae), Labcorp); PubMed 25082885 (cited by Labcorp Genetics (formerly Invitae), Labcorp); PubMed 36729443 (cited by Labcorp Genetics (formerly Invitae), Labcorp).